The following is an entry in ClinVar:

ClinVar aggregate classification (germline): Uncertain significance. Review status: criteria provided, multiple submitters, no conflicts (2 of 4 stars). 2 submissions from 2 submitters: Uncertain significance (2). Last evaluated 2022-06-02.

Conditions:
GM3 synthase deficiency (SPDRS). Also called: SALT AND PEPPER DEVELOPMENTAL REGRESSION SYNDROME; AMISH INFANTILE EPILEPSY SYNDROME; SALT AND PEPPER MENTAL RETARDATION SYNDROME. Identifiers: Orphanet 171714, Orphanet 370933, MedGen C1836824, MONDO:0018274, OMIM 609056.

Allele frequency attached by ClinVar (database versions not stated): ExAC 0.00001; gnomAD exomes 0.00001 and 0.00004; TOPMed 0.00001; gnomAD 0.00002.
gnomAD v4.1: 66 of 1,614,060 alleles (0.0041%); highest among the groups gnomAD compares: Non-Finnish European, 0.0054%; no homozygotes.

Submissions (2):

Labcorp Genetics (formerly Invitae), Labcorp
Classification: Uncertain significance for GM3 synthase deficiency. Last evaluated: 2022-06-02. Review status: criteria provided, single submitter. Criteria: Invitae Variant Classification Sherloc (09022015). Collection method: clinical testing. Allele origin: germline.
Comment: This sequence change replaces glutamic acid, which is acidic and polar, with aspartic acid, which is acidic and polar, at codon 246 of the ST3GAL5 protein (p.Glu246Asp). This variant is present in population databases (rs755264272, gnomAD 0.003%). This variant has not been reported in the literature in individuals affected with ST3GAL5-related conditions. ClinVar contains an entry for this variant (Variation ID: 197757). Algorithms developed to predict the effect of missense changes on protein structure and function (SIFT, PolyPhen-2, Align-GVGD) all suggest that this variant is likely to be disruptive. In summary, the available evidence is currently insufficient to determine the role of this variant in disease. Therefore, it has been classified as a Variant of Uncertain Significance.

Eurofins Ntd Llc (ga)
Classification: Uncertain significance. Last evaluated: 2015-01-02. Review status: criteria provided, single submitter. Criteria: EGL Classification Definitions 2015. Collection method: clinical testing. Allele origin: germline. Observed: 1 variant allele, 1 heterozygote.

NM_003896.4(ST3GAL5):c.738G>C (p.Glu246Asp)

Gene: ST3GAL5 (ST3 beta-galactoside alpha-2,3-sialyltransferase 5; minus strand). Cytogenetic location: 2p11.2.
Variant type: single nucleotide variant.
Coding change: c.738G>C on transcript NM_003896.4 (MANE Select); coding-DNA position 738, G replaced by C.
Protein change: p.Glu246Asp; replaces glutamic acid 246 with aspartic acid.
Molecular consequence: missense variant.
Genome position (GRCh38, 1-based): chr2:85,846,488, C>G on the plus strand (G>C on the coding strand, the complement: ST3GAL5 is on the minus strand). VCF-style: chr2-85846488-C-G. GRCh37 (hg19) VCF-style: chr2-86073611-C-G.
Other names: c.669G>C, p.Glu223Asp (NM_001042437.2); c.354G>C, p.Glu118Asp (NM_001354223.2, NM_001354224.2, NM_001354226.2 and 3 more transcripts); c.654G>C, p.Glu218Asp (NM_001354227.2, NM_001354229.2, NM_001354238.1); c.15G>C, p.Glu5Asp (NM_001354247.1); c.738G>C, p.Glu246Asp (NM_001363847.1); short protein forms E246D, E5D, E218D, E223D, E118D.
Identifiers: ClinVar variation 197757 (VCV000197757.12), dbSNP rs755264272, ClinGen allele CA246078.